The following is an entry in ClinVar:

ClinVar aggregate classification (germline): Conflicting classifications of pathogenicity. Review status: criteria provided, conflicting classifications (1 of 4 stars). 5 submissions from 5 submitters: Uncertain significance (1); Likely benign (3). 1 of the submissions does not count toward it. Last evaluated 2025-08-29.

Conditions:
DTNA-related disorder. Also called: DTNA-related condition.
Left ventricular noncompaction cardiomyopathy. Also called: left ventricular non-compaction cardiomyopathy. Identifiers: MedGen C4021133, HP:0011664.
Ventricular tachycardia. Identifiers: MedGen C0042514, MONDO:0005477, HP:0004756.
Primary dilated cardiomyopathy (DCM). Also called: Dilated Cardiomyopathy. Identifiers: Orphanet 217604, MedGen C0007193, MeSH D002311, MONDO:0005021, HP:0001644. Inheritance: Various modes of inheritance.
Left ventricular noncompaction 1 (LVNC1). Also called: LEFT VENTRICULAR NONCOMPACTION 1 WITH OR WITHOUT CONGENITAL HEART DEFECTS. Identifiers: Orphanet 54260, MedGen C1858725, MONDO:0011403, OMIM 604169.

Allele frequency attached by ClinVar (database versions not stated): ExAC 0.00002; gnomAD 0.00003; TOPMed 0.00003; ESP Exome Variant Server 0.00008.
gnomAD v4.1: 38 of 1,613,164 alleles (0.0024%); highest among the groups gnomAD compares: Admixed American, 0.01%; no homozygotes.

Submissions (5):

Labcorp Genetics (formerly Invitae), Labcorp
Classification: Likely benign for Left ventricular noncompaction 1. Last evaluated: 2025-08-29. Review status: criteria provided, single submitter. Criteria: Invitae Variant Classification Sherloc (09022015). Collection method: clinical testing. Allele origin: germline.

Women's Health and Genetics/Laboratory Corporation of America, LabCorp
Classification: Likely benign. Last evaluated: 2025-02-10. Review status: criteria provided, single submitter. Criteria: LabCorp Variant Classification Summary - May 2015. Collection method: clinical testing. Allele origin: germline.
Comment: Variant summary: DTNA c.68-7G>A alters a non-conserved nucleotide located close to a canonical splice site and therefore could affect mRNA splicing, leading to a significantly altered protein sequence. Consensus agreement among computation tools predict no significant impact on normal splicing. However, these predictions have yet to be confirmed by functional studies. The variant allele was found at a frequency of 3.2e-05 in 251116 control chromosomes in gnomAD v2. In gnomAD v4, a total of 38 heterozygotes of this variant was reported. To our knowledge, no occurrence of c.68-7G>A in individuals affected with Left Ventricular Noncompaction and no experimental evidence demonstrating its impact on protein function have been reported. ClinVar contains an entry for this variant (Variation ID: 523441). Based on the evidence outlined above, the variant was classified as likely benign.

Blueprint Genetics
Classification: Likely benign. Last evaluated: 2023-10-09. Review status: criteria provided, single submitter. Criteria: ACMG Guidelines, 2015. Collection method: clinical testing. Allele origin: germline.

Centre for Mendelian Genomics, University Medical Centre Ljubljana
Classification: Uncertain significance for Primary dilated cardiomyopathy; Left ventricular noncompaction cardiomyopathy; Ventricular tachycardia. Last evaluated: 2017-01-01. Review status: criteria provided, single submitter. Criteria: ACMG Guidelines, 2015. Collection method: clinical testing. Allele origin: unknown. Affected: yes.

PreventionGenetics, part of Exact Sciences
Classification: Likely benign for DTNA-related condition. Last evaluated: 2019-09-17. Review status: no assertion criteria provided. Collection method: clinical testing. Allele origin: germline. Not counted in ClinVar's aggregate classification.
Comment: This variant is classified as likely benign based on ACMG/AMP sequence variant interpretation guidelines (Richards et al. 2015 PMID: 25741868, with internal and published modifications).

NM_001386795.1(DTNA):c.68-7G>A

Genes: DTNA (dystrobrevin alpha; plus strand), DTNA-AS1 (DTNA antisense RNA 1; minus strand). Cytogenetic location: 18q12.1.
Variant type: single nucleotide variant.
Coding change: c.68-7G>A on transcript NM_001386795.1 (MANE Select); 7 bases into the intron before coding-DNA position 68, G replaced by A.
Molecular consequence: intron variant.
Genome position (GRCh38, 1-based): chr18:34,765,954, G>A. VCF-style: chr18-34765954-G-A. GRCh37 (hg19) VCF-style: chr18-32345918-G-A.
Other names: c.68-7G>A (NM_032975.4, NM_001386761.1, NM_001386762.1 and 35 more transcripts).
Identifiers: ClinVar variation 523441 (VCV000523441.16), dbSNP rs372126412, ClinGen allele CA8935274.
Genomic context (GRCh38, chr18:34,765,954, plus strand): 5'-TTGTAAACATTGTAAATTTCTTTCTGCACACATGGCATACCTTATGTGTCCTTTTTCCCC[G>A]CACTAGGGGCTCAAGATCTGGATCGCATCCGACTCTCCACCTACAGAACAGCATGCAAGC-3'